The following is an entry in ClinVar:

NM_001378477.3(NYX):c.320T>C (p.Leu107Pro)

Gene: NYX (nyctalopin; plus strand). Cytogenetic location: Xp11.4.
Variant type: single nucleotide variant.
Coding change: c.320T>C on transcript NM_001378477.3 (MANE Select); coding-DNA position 320, T replaced by C.
Protein change: p.Leu107Pro; replaces leucine 107 with proline.
Molecular consequence: missense variant.
Genome position (GRCh38, 1-based): chrX:41,473,788, T>C. VCF-style: chrX-41473788-T-C. GRCh37 (hg19) VCF-style: chrX-41333041-T-C.
Other names: c.320T>C, p.Leu107Pro (NM_022567.3); c.335T>C (NM_022567.2); short protein forms L107P.
Identifiers: ClinVar variation 2138551 (VCV002138551.6), dbSNP rs2064373589, ClinGen allele CA412989844.
Genomic context (GRCh38, chrX:41,473,788, plus strand): 5'-CGCTGCGCCACAACAACCTGTCCTTCATCACGCCCGGCGCCTTCAAGGGCCTGCCGCGCC[T>C]GGCTGAGCTGCGCCTGGCGCACAACGGCGACCTGCGCTACCTGCACGCGCGCACCTTCGC-3'
Protein context (NP_001365406.2, residues 97-117): TPGAFKGLPR[Leu107Pro]AELRLAHNGD

ClinVar aggregate classification (germline): Conflicting classifications of pathogenicity. Review status: criteria provided, conflicting classifications (1 of 4 stars). 3 submissions from 3 submitters: Likely pathogenic (1); Uncertain significance (2). Last evaluated 2024-10-21.

Conditions:
NYX-related disorder. Also called: NYX-related condition.

Allele frequency attached by ClinVar (database versions not stated): TOPMed 0.00002.

Submissions (3):

Labcorp Genetics (formerly Invitae), Labcorp
Classification: Uncertain significance. Last evaluated: 2024-10-21. Review status: criteria provided, single submitter. Criteria: Invitae Variant Classification Sherloc (09022015). Collection method: clinical testing. Allele origin: germline.
Comment: This sequence change replaces leucine, which is neutral and non-polar, with proline, which is neutral and non-polar, at codon 112 of the NYX protein (p.Leu112Pro). This variant is not present in population databases (gnomAD no frequency). This missense change has been observed in individual(s) with myopia (PMID: 25802485). ClinVar contains an entry for this variant (Variation ID: 2138551). Invitae Evidence Modeling of protein sequence and biophysical properties (such as structural, functional, and spatial information, amino acid conservation, physicochemical variation, residue mobility, and thermodynamic stability) indicates that this missense variant is expected to disrupt NYX protein function with a positive predictive value of 80%. In summary, the available evidence is currently insufficient to determine the role of this variant in disease. Therefore, it has been classified as a Variant of Uncertain Significance.

PreventionGenetics, part of Exact Sciences
Classification: Uncertain significance for NYX-related condition. Last evaluated: 2024-10-16. Review status: criteria provided, single submitter. Criteria: ACMG Guidelines, 2015. Collection method: clinical testing. Allele origin: germline.
Comment: The NYX c.335T>C variant is predicted to result in the amino acid substitution p.Leu112Pro. This variant was reported in the hemizygous state in an individual with myopia (Zhou et al. 2015. PubMed ID: 25802485). This variant has not been reported in a large population database (gnomAD), indicating this variant is rare. Although we suspect that this variant may be pathogenic, at this time, the clinical significance of this variant is uncertain due to the absence of conclusive functional and genetic evidence.

Blueprint Genetics
Classification: Likely pathogenic for NYX-related disorders. Last evaluated: 2021-03-17. Review status: criteria provided, single submitter. Criteria: ACMG Guidelines, 2015. Collection method: clinical testing. Allele origin: germline. Affected: yes. Observed: 2 variant alleles.

Literature cited by the submitters: PubMed 25802485 (cited by Labcorp Genetics (formerly Invitae), Labcorp).